The following is an entry in ClinVar:

NC_000021.8:g.(?_47542769)_(47546475_?)dup

Gene: COL6A2 (collagen type VI alpha 2 chain; plus strand). Cytogenetic location: 21q22.3.
Variant type: Duplication.
Identifiers: ClinVar variation 2424262 (VCV002424262.6).

ClinVar aggregate classification (germline): Likely pathogenic (1 of 4 stars; one submission).

Conditions:
Bethlem myopathy 1A. Also called: Bethlem Muscular Dystrophy; MYOPATHY, BENIGN CONGENITAL, WITH CONTRACTURES; Bethlem myopathy 1. Identifiers: Orphanet 610, MedGen CN029274, MONDO:0024530, OMIM 158810.

Submission:

Labcorp Genetics (formerly Invitae), Labcorp
Classification: Likely pathogenic for Bethlem myopathy 1A. Last evaluated: 2022-10-04. Review status: criteria provided, single submitter. Criteria: Invitae Variant Classification Sherloc (09022015). Collection method: clinical testing. Allele origin: germline.
Comment: In summary, the currently available evidence indicates that the variant is pathogenic, but additional data are needed to prove that conclusively. Therefore, this variant has been classified as Likely Pathogenic. This variant has not been reported in the literature in individuals affected with COL6A2-related conditions. This variant results in a copy number gain of the genomic region encompassing exon(s) 21-27 of the COL6A2 gene. While the exact position of this variant cannot be determined from the data, sub-genic copy number gains are generally in tandem (PMID: 25640679). This variant is predicted to be out-of-frame, and may result in an absent or disrupted protein product. Loss-of-function variants in COL6A2 are known to be pathogenic (PMID: 19884007, 20976770).

Literature cited by the submitters: PubMed 25640679; PubMed 19884007; PubMed 20976770.